The following is an entry in ClinVar:

ClinVar aggregate classification (germline): Uncertain significance (1 of 4 stars; one submission).

gnomAD v4.1: 18 of 1,614,220 alleles (0.0011%); highest among the groups gnomAD compares: Admixed American, 0.0017%; no homozygotes.

Submission:

Labcorp Genetics (formerly Invitae), Labcorp
Classification: Uncertain significance. Last evaluated: 2025-04-10. Review status: criteria provided, single submitter. Criteria: Invitae Variant Classification Sherloc (09022015). Collection method: clinical testing. Allele origin: germline.
Comment: This sequence change replaces glutamine, which is neutral and polar, with proline, which is neutral and non-polar, at codon 108 of the BLVRA protein (p.Gln108Pro). This variant is not present in population databases (gnomAD no frequency). This variant has not been reported in the literature in individuals affected with BLVRA-related conditions. An algorithm developed to predict the effect of missense changes on protein structure and function (PolyPhen-2) suggests that this variant is likely to be tolerated. In summary, the available evidence is currently insufficient to determine the role of this variant in disease. Therefore, it has been classified as a Variant of Uncertain Significance.

NM_000712.4(BLVRA):c.323A>C (p.Gln108Pro)

Gene: BLVRA (biliverdin reductase A; plus strand). Cytogenetic location: 7p13.
Variant type: single nucleotide variant.
Coding change: c.323A>C on transcript NM_000712.4 (MANE Select); coding-DNA position 323, A replaced by C.
Protein change: p.Gln108Pro; replaces glutamine 108 with proline.
Molecular consequence: missense variant.
Genome position (GRCh38, 1-based): chr7:43,792,783, A>C. VCF-style: chr7-43792783-A-C. GRCh37 (hg19) VCF-style: chr7-43832382-A-C.
Other names: c.323A>C, p.Gln108Pro (NM_001253823.2); short protein forms Q108P.
Identifiers: ClinVar variation 4704394 (VCV004704394.1).